The following is an entry in ClinVar:

ClinVar aggregate classification (germline): Uncertain significance (1 of 4 stars; one submission).

gnomAD v4.1: 2 of 1,611,278 alleles (0.00012%); highest among the groups gnomAD compares: Non-Finnish European, 0.00017%; no homozygotes.

Submission:

Dasa
Classification: Uncertain significance. Last evaluated: 2025-10-09. Review status: criteria provided, single submitter. Criteria: DASA Assertion Criteria. Collection method: clinical testing. Allele origin: germline.
Comment: NM_001519.4(BRF1):c.694G>C (p.Ala232Pro) is a missense variant that results in the substitution of alanine with proline. This variant is rare in population databases. The currently available literature and clinical evidence are not sufficient to establish a definitive association between this variant and the reported condition. Therefore, this variant is classified as a variant of uncertain significance.

NM_001519.4(BRF1):c.694G>C (p.Ala232Pro)

Gene: BRF1 (BRF1 general transcription factor IIIB subunit; minus strand). Cytogenetic location: 14q32.33.
Variant type: single nucleotide variant.
Coding change: c.694G>C on transcript NM_001519.4 (MANE Select); coding-DNA position 694, G replaced by C.
Protein change: p.Ala232Pro; replaces alanine 232 with proline.
Molecular consequence: missense variant. On other transcripts: intron variant (4).
Genome position (GRCh38, 1-based): chr14:105,241,265, C>G on the plus strand (G>C on the coding strand, the complement: BRF1 is on the minus strand). VCF-style: chr14-105241265-C-G. GRCh37 (hg19) VCF-style: chr14-105707602-C-G.
Other names: c.349G>C, p.Ala117Pro (NM_001242786.2, NM_001242787.2); c.613G>C, p.Ala205Pro (NM_001242788.2); c.694G>C, p.Ala232Pro (NM_001440449.1); c.181G>C, p.Ala61Pro (NM_001440452.1, NM_001440453.1); c.82G>C, p.Ala28Pro (NM_145685.3); c.199+11242G>C (NM_001440451.1); c.544+11242G>C (NM_001440450.1); c.-21+7884G>C (NM_001242789.2); and 1 more; short protein forms A117P, A205P, A232P, A28P, A61P.
Identifiers: ClinVar variation 4882984 (VCV004882984.2).